The following is an entry in ClinVar:

NM_013266.4(CTNNA3):c.1132C>T (p.Arg378Cys)

Gene: CTNNA3 (catenin alpha 3; minus strand). Cytogenetic location: 10q21.3.
Variant type: single nucleotide variant.
Coding change: c.1132C>T on transcript NM_013266.4 (MANE Select); coding-DNA position 1132, C replaced by T.
Protein change: p.Arg378Cys; replaces arginine 378 with cysteine.
Molecular consequence: missense variant.
Genome position (GRCh38, 1-based): chr10:66,766,413, G>A on the plus strand (C>T on the coding strand, the complement: CTNNA3 is on the minus strand). VCF-style: chr10-66766413-G-A. GRCh37 (hg19) VCF-style: chr10-68526171-G-A.
Other names: c.1132C>T (NM_013266.2); c.1132C>T, p.Arg378Cys (NM_001127384.3); short protein forms R378C.
Identifiers: ClinVar variation 409017 (VCV000409017.61), dbSNP rs187752783, ClinGen allele CA5520044.

ClinVar aggregate classification (germline): Conflicting classifications of pathogenicity. Review status: criteria provided, conflicting classifications (1 of 4 stars). 7 submissions from 7 submitters: Uncertain significance (3); Likely benign (3). 1 of the submissions does not count toward it. Last evaluated 2026-08-22.

Conditions:
CTNNA3-related disorder. Also called: CTNNA3-related condition.
Arrhythmogenic right ventricular dysplasia 13. Also called: ARRHYTHMOGENIC RIGHT VENTRICULAR CARDIOMYOPATHY 13; Arrhythmogenic right ventricular dysplasia, familial, 13. Identifiers: MedGen C3810138, MONDO:0000908, OMIM 615616.

Allele frequency attached by ClinVar (database versions not stated): gnomAD 0.00045 and 0.00044; ESP Exome Variant Server 0.00046; 1000 Genomes Project 30x 0.00031; TOPMed 0.00033; 1000 Genomes Project 0.00040; ExAC 0.00045; gnomAD exomes 0.00047 and 0.00063.
gnomAD v4.1: 973 of 1,602,088 alleles (0.061%); highest among the groups gnomAD compares: Non-Finnish European, 0.073%; 1 homozygote.

Submissions (7):

GeneDx
Classification: Uncertain significance. Last evaluated: 2026-08-22. Review status: criteria provided, single submitter. Criteria: GeneDx Variant Classification Process June 2021. Collection method: clinical testing. Allele origin: germline.
Comment: Has not been previously published as pathogenic or benign to our knowledge; In silico analysis supports that this missense variant has a deleterious effect on protein structure/function; Variants in candidate genes are classified as variants of uncertain significance in accordance with ACMG guidelines (PMID: 25741868)

Labcorp Genetics (formerly Invitae), Labcorp
Classification: Likely benign for Arrhythmogenic right ventricular dysplasia 13. Last evaluated: 2026-02-01. Review status: criteria provided, single submitter. Criteria: Invitae Variant Classification Sherloc (09022015). Collection method: clinical testing. Allele origin: germline.

CeGaT Center for Human Genetics Tuebingen
Classification: Uncertain significance. Last evaluated: 2026-01-01. Review status: criteria provided, single submitter. Criteria: CeGaT Center For Human Genetics Tuebingen Variant Classification Criteria Version 2. Collection method: clinical testing. Allele origin: germline. Affected: yes. Observed: 2 variant alleles.

Blueprint Genetics
Classification: Likely benign. Last evaluated: 2024-09-23. Review status: criteria provided, single submitter. Criteria: ACMG Guidelines, 2015. Collection method: clinical testing. Allele origin: germline.

Women's Health and Genetics/Laboratory Corporation of America, LabCorp
Classification: Likely benign. Last evaluated: 2024-07-02. Review status: criteria provided, single submitter. Criteria: LabCorp Variant Classification Summary - May 2015. Collection method: clinical testing. Allele origin: germline.
Comment: Variant summary: CTNNA3 c.1132C>T (p.Arg378Cys) results in a non-conservative amino acid change in the encoded protein sequence. Three of five in-silico tools predict a damaging effect of the variant on protein function. The variant allele was found at a frequency of 0.00047 in 242920 control chromosomes, predominantly at a frequency of 0.00072 within the Non-Finnish European subpopulation in the gnomAD database. The observed variant frequency within Non-Finnish European control individuals in the gnomAD database is approximately 115 fold of the estimated maximal expected allele frequency for a pathogenic variant in CTNNA3 causing Arrhythmogenic Right Ventricular Dysplasia/Cardiomyopathy phenotype (6.3e-06). To our knowledge, no occurrence of c.1132C>T in individuals affected with Arrhythmogenic Right Ventricular Dysplasia/Cardiomyopathy and no experimental evidence demonstrating its impact on protein function have been reported. ClinVar contains an entry for this variant (Variation ID: 409017). Based on the evidence outlined above, the variant was classified as likely benign.

Ambry Genetics
Classification: Uncertain significance. Last evaluated: 2021-07-09. Review status: criteria provided, single submitter. Criteria: Ambry Variant Classification Scheme 2023. Collection method: clinical testing. Allele origin: germline.

PreventionGenetics, part of Exact Sciences
Classification: Likely benign for CTNNA3-related condition. Last evaluated: 2024-03-29. Review status: no assertion criteria provided. Collection method: clinical testing. Allele origin: germline. Not counted in ClinVar's aggregate classification.
Comment: This variant is classified as likely benign based on ACMG/AMP sequence variant interpretation guidelines (Richards et al. 2015 PMID: 25741868, with internal and published modifications).